The following is an entry in ClinVar:

NM_000261.2(MYOC):c.468G>A (p.Lys156=)

Gene: MYOC (myocilin; minus strand). Cytogenetic location: 1q24.3.
Variant type: single nucleotide variant.
Coding change: c.468G>A on transcript NM_000261.2 (MANE Select); coding-DNA position 468, G replaced by A.
Protein change: p.Lys156=; no amino-acid change (lysine 156 retained).
Molecular consequence: synonymous variant.
Genome position (GRCh38, 1-based): chr1:171,652,144, C>T on the plus strand (G>A on the coding strand, the complement: MYOC is on the minus strand). VCF-style: chr1-171652144-C-T. GRCh37 (hg19) VCF-style: chr1-171621284-C-T.
Other names: NM_000261.2:c.468G>A.
Identifiers: ClinVar variation 2570622 (VCV002570622.2), dbSNP rs2527873098, ClinGen allele CA421939232.

ClinVar aggregate classification (germline): Uncertain significance (3 of 4 stars; one submission).

Conditions:
Open-angle glaucoma. Identifiers: MedGen C0017612, MONDO:0005338, HP:0012108.

Submission:

ClinGen Glaucoma Variant Curation Expert Panel
Classification: Uncertain significance for Open-angle glaucoma. Last evaluated: 2025-12-03. Review status: reviewed by expert panel. Criteria: ClinGen Glaucoma ACMG Specifications V2.0.0 Approved. Collection method: curation. Allele origin: germline. Inheritance: Autosomal dominant inheritance.
Comment: The c.468G>A variant in MYOC is a synonymous variant (p.Lys156=). This variant was not found in any genetic ancestry group of gnomAD (v4.1.0), meeting the ≤ 0.0001 threshold set for PM2_Supporting in a genetic ancestry group of at least 10,000 alleles. The SpliceAI score = 0.02, which met the ≤ 0.1 threshold for BP4, suggesting that the variant does not impact MYOC function. This synonymous variant meets BP4, so BP7 is met. There was no functional evidence predicting a damaging or benign impact of this variant on MYOC function. Only 1 proband with JOAG had been reported (PMID: 39998747), not meeting the ≥ 2 probands threshold required to meet PS4_Supporting. In summary, this variant met the criteria to receive a score of -1 and to be classified as a variant of uncertain significance (uncertain significance classification range -1 to 5, adapted from PMID: 32720330) for juvenile open angle glaucoma based on the ACMG/AMP criteria met, as specified by the ClinGen Glaucoma VCEP (v2.0.0, 5 Dec 2024): BP4, BP7, PM2_Supporting.